The following is an entry in ClinVar:

ClinVar aggregate classification (germline): Conflicting classifications of pathogenicity. Review status: criteria provided, conflicting classifications (1 of 4 stars). 5 submissions from 5 submitters: Uncertain significance (1); Likely benign (3). 1 of the submissions does not count toward it. Last evaluated 2026-09-01.

Conditions:
MYO18B-related disorder. Also called: MYO18B-related condition.

Allele frequency attached by ClinVar (database versions not stated): 1000 Genomes Project 0.00180; 1000 Genomes Project 30x 0.00187; gnomAD exomes 0.00293 and 0.00468; ExAC 0.00302; gnomAD 0.00330 and 0.00345; TOPMed 0.00361; ESP Exome Variant Server 0.00382.
gnomAD v4.1: 7,283 of 1,613,988 alleles (0.45%); highest among the groups gnomAD compares: Non-Finnish European, 0.56%; 26 homozygotes.

Submissions (5):

CeGaT Center for Human Genetics Tuebingen
Classification: Likely benign. Last evaluated: 2026-09-01. Review status: criteria provided, single submitter. Criteria: CeGaT Center For Human Genetics Tuebingen Variant Classification Criteria Version 2. Collection method: clinical testing. Allele origin: germline. Affected: yes. Observed: 7 variant alleles.
Comment: MYO18B: BP4, BS2

Labcorp Genetics (formerly Invitae), Labcorp
Classification: Likely benign. Last evaluated: 2026-01-27. Review status: criteria provided, single submitter. Criteria: Invitae Variant Classification Sherloc (09022015). Collection method: clinical testing. Allele origin: germline.

Blueprint Genetics
Classification: Likely benign. Last evaluated: 2024-11-27. Review status: criteria provided, single submitter. Criteria: ACMG Guidelines, 2015. Collection method: clinical testing. Allele origin: germline.

Center for Pediatric Genomic Medicine, Children's Mercy Hospital and Clinics
Classification: Uncertain significance. Last evaluated: 2016-09-08. Review status: criteria provided, single submitter. Criteria: ACMG Guidelines, 2015. Collection method: clinical testing. Allele origin: germline.
ClinVar note: Converted during submission from Uncertain Significance to Uncertain significance.

PreventionGenetics, part of Exact Sciences
Classification: Likely benign for MYO18B-related condition. Last evaluated: 2020-11-16. Review status: no assertion criteria provided. Collection method: clinical testing. Allele origin: germline. Not counted in ClinVar's aggregate classification.
Comment: This variant is classified as likely benign based on ACMG/AMP sequence variant interpretation guidelines (Richards et al. 2015 PMID: 25741868, with internal and published modifications).

NM_032608.7(MYO18B):c.7147C>T (p.Arg2383Trp)

Gene: MYO18B (myosin XVIIIB; plus strand). Cytogenetic location: 22q12.1.
Variant type: single nucleotide variant.
Coding change: c.7147C>T on transcript NM_032608.7 (MANE Select); coding-DNA position 7147, C replaced by T.
Protein change: p.Arg2383Trp; replaces arginine 2383 with tryptophan.
Molecular consequence: missense variant.
Genome position (GRCh38, 1-based): chr22:26,027,121, C>T. VCF-style: chr22-26027121-C-T. GRCh37 (hg19) VCF-style: chr22-26423087-C-T.
Other names: c.7150C>T, p.Arg2384Trp (NM_001318245.2); short protein forms R2384W, R2383W.
Identifiers: ClinVar variation 377088 (VCV000377088.40), dbSNP rs192639023, ClinGen allele CA10161702.